The following is an entry in ClinVar:

ClinVar aggregate classification (germline): Uncertain significance (1 of 4 stars; one submission).

Submission:

Labcorp Genetics (formerly Invitae), Labcorp
Classification: Uncertain significance. Last evaluated: 2024-03-15. Review status: criteria provided, single submitter. Criteria: Invitae Variant Classification Sherloc (09022015). Collection method: clinical testing. Allele origin: germline.
Comment: This sequence change replaces glutamic acid, which is acidic and polar, with glutamine, which is neutral and polar, at codon 816 of the MSH3 protein (p.Glu816Gln). This variant is not present in population databases (gnomAD no frequency). This variant has not been reported in the literature in individuals affected with MSH3-related conditions. An algorithm developed to predict the effect of missense changes on protein structure and function (PolyPhen-2) suggests that this variant is likely to be tolerated. In summary, the available evidence is currently insufficient to determine the role of this variant in disease. Therefore, it has been classified as a Variant of Uncertain Significance.

NM_002439.5(MSH3):c.2446G>C (p.Glu816Gln)

Gene: MSH3 (mutS homolog 3; plus strand). Cytogenetic location: 5q14.1.
Variant type: single nucleotide variant.
Coding change: c.2446G>C on transcript NM_002439.5 (MANE Select); coding-DNA position 2446, G replaced by C.
Protein change: p.Glu816Gln; replaces glutamic acid 816 with glutamine.
Molecular consequence: missense variant.
Genome position (GRCh38, 1-based): chr5:80,787,575, G>C. VCF-style: chr5-80787575-G-C. GRCh37 (hg19) VCF-style: chr5-80083394-G-C.
Other names: short protein forms E816Q.
Identifiers: ClinVar variation 3646093 (VCV003646093.2).
Genomic context (GRCh38, chr5:80,787,575, plus strand): 5'-TTTAAGATATCAGTTTGCTCACCTTTTTGTTGTTGCTGCTGCTTCCGTAGGAAATTCAGT[G>C]AACATTATCACTCCTTGTGTAAAGCAGTGCATCACCTAGCAACTGTTGACTGCATTTTCT-3'
Protein context (NP_002430.3, residues 806-826): EWLDFLEKFS[Glu816Gln]HYHSLCKAVH